The following is an entry in ClinVar:

NM_005562.3(LAMC2):c.2208del (p.Leu737fs)

Gene: LAMC2 (laminin subunit gamma 2; plus strand). Cytogenetic location: 1q25.3.
Variant type: Deletion.
Coding change: c.2208del on transcript NM_005562.3 (MANE Select); coding-DNA position 2208, one base deleted (C; older notation c.2208delC).
Protein change: p.Leu737fs; shifts the reading frame from leucine 737.
Molecular consequence: frameshift variant.
Genome position (GRCh38, 1-based): chr1:183,232,845, C deleted; the last of 2 consecutive C bases (chr1:183,232,844-183,232,845); deleting either gives the same sequence. VCF-style (leftmost placement, unchanged base first): chr1-183232843-TC-T. GRCh37 (hg19) VCF-style: chr1-183201978-TC-T.
Other names: c.2208del, p.Leu737fs (NM_018891.3); short protein forms L737fs.
Identifiers: ClinVar variation 2969649 (VCV002969649.4), dbSNP rs1451052772, ClinGen allele CA527653664.

ClinVar aggregate classification (germline): Pathogenic. Review status: criteria provided, multiple submitters, no conflicts (2 of 4 stars). 2 submissions from 2 submitters: Pathogenic (2). Last evaluated 2026-01-16.

Conditions:
Junctional epidermolysis bullosa. Identifiers: Orphanet 305, MedGen C0079301, MONDO:0017612.

Submissions (2):

Myriad Genetics, Inc.
Classification: Pathogenic for Junctional epidermolysis bullosa. Last evaluated: 2026-01-16. Review status: criteria provided, single submitter. Criteria: Myriad Autosomal Dominant, Autosomal Recessive and X-Linked Classification Criteria (2023). Collection method: clinical testing. Allele origin: unknown.
Comment: NM_005562.2(LAMC2):c.2208delC(L737Wfs*28) is expected to be pathogenic in the context of junctional epidermolysis bullosa, LAMC2-related. This variant is predicted to lead to an abnormal or absent protein product due to the creation of a premature termination codon in LAMC2, a gene where loss-of-function variants are known to be pathogenic. Please note: this variant was assessed in the context of healthy population screening.

Labcorp Genetics (formerly Invitae), Labcorp
Classification: Pathogenic. Last evaluated: 2023-12-12. Review status: criteria provided, single submitter. Criteria: Invitae Variant Classification Sherloc (09022015). Collection method: clinical testing. Allele origin: germline.
Comment: This sequence change creates a premature translational stop signal (p.Leu737Trpfs*28) in the LAMC2 gene. It is expected to result in an absent or disrupted protein product. Loss-of-function variants in LAMC2 are known to be pathogenic (PMID: 11907499, 16473856). This variant is present in population databases (no rsID available, gnomAD 0.0009%). This variant has not been reported in the literature in individuals affected with LAMC2-related conditions. For these reasons, this variant has been classified as Pathogenic.

Literature cited by the submitters: PubMed 11907499 (cited by Labcorp Genetics (formerly Invitae), Labcorp); PubMed 16473856 (cited by Labcorp Genetics (formerly Invitae), Labcorp).